The following is an entry in ClinVar:

ClinVar aggregate classification (germline): Likely pathogenic (1 of 4 stars; one submission).

Conditions:
Microcephaly 6, primary, autosomal recessive. Identifiers: Orphanet 2512, MedGen C1842109, MONDO:0012029, OMIM 608393.
Seckel syndrome 4 (SCKL4). Identifiers: Orphanet 808, MedGen C3888212, MONDO:0013358, OMIM 613676.

Submission:

Juno Genomics, Hangzhou Juno Genomics, Inc
Classification: Likely pathogenic for Seckel syndrome 4; Microcephaly 6, primary, autosomal recessive. Review status: criteria provided, single submitter. Criteria: ACMG Guidelines, 2015. Collection method: clinical testing. Allele origin: germline.
Comment: Null variant in a gene where loss of function (LOF) is a known mechanism of disease.;Absent from controls (or at extremely low frequency if recessive) in Genome Aggregation Database.

NM_018451.5(CPAP):c.2724_2725del (p.Lys909fs)

Gene: CPAP (centrosome assembly and centriole elongation protein; minus strand). Cytogenetic location: 13q12.13.
Variant type: Microsatellite.
Coding change: c.2724_2725del on transcript NM_018451.5 (MANE Select); coding-DNA positions 2724 to 2725, 2 bases deleted (GA; older notation c.2724_2725delGA).
Protein change: p.Lys909fs; shifts the reading frame from lysine 909.
Molecular consequence: frameshift variant. On other transcripts: non-coding transcript variant (2).
Genome position (GRCh38, 1-based): chr13:24,904,026-24,904,027, TC deleted on the plus strand (GA on the coding strand, the reverse complement: CPAP is on the minus strand); deleting any 2 consecutive bases within chr13:24,904,026-24,904,033 gives the same sequence; the c. name uses the placement nearest the transcript's 3' end. VCF-style (leftmost placement, unchanged base first): chr13-24904025-TTC-T. GRCh37 (hg19) VCF-style: chr13-25478163-TTC-T.
Other names: short protein forms K909fs.
Identifiers: ClinVar variation 5038007 (VCV005038007.2).